The following is an entry in ClinVar:

NC_000002.12:g.121530922A>T

Genes: CLASP1 (cytoplasmic linker associated protein 1; minus strand), CLASP1-AS1 (CLASP1 antisense RNA 1; plus strand), RNU4ATAC (RNA, U4atac small nuclear; plus strand). Cytogenetic location: 2q14.2.
Variant type: single nucleotide variant.
Molecular consequence: intron variant (on NM_001395891.1).
Genome position: GRCh38 VCF-style: chr2-121530922-A-T. GRCh37 (hg19) VCF-style: chr2-122288498-A-T.
Other names: c.196-597T>A (NM_001142274.2, NM_015282.3, NM_001378003.1 and 5 more transcripts).
Identifiers: ClinVar variation 1485205 (VCV001485205.3), dbSNP rs553096682, ClinGen allele CA1854698.

ClinVar aggregate classification (germline): Uncertain significance (1 of 4 stars; one submission).

gnomAD v4.1: 51 of 699,832 alleles (0.0073%); highest among the groups gnomAD compares: South Asian, 0.015%; 1 homozygote.

Submission:

Labcorp Genetics (formerly Invitae), Labcorp
Classification: Uncertain significance. Last evaluated: 2021-08-24. Review status: criteria provided, single submitter. Criteria: Invitae Variant Classification Sherloc (09022015). Collection method: clinical testing. Allele origin: germline.
Comment: This variant occurs in the RNU4ATAC gene, which encodes an RNA molecule that does not result in a protein product. While this variant is present in population databases (rs553096682), the frequency information is unreliable, as metrics indicate poor data quality at this position in the ExAC database. This variant has not been reported in the literature in individuals affected with RNU4ATAC-related conditions. Experimental studies and prediction algorithms are not available or were not evaluated, and the functional significance of this variant is currently unknown. In summary, the available evidence is currently insufficient to determine the role of this variant in disease. Therefore, it has been classified as a Variant of Uncertain Significance.